The following is an entry in ClinVar:

NM_005618.4(DLL1):c.2114A>C (p.Gln705Pro)

Genes: DLL1 (delta like canonical Notch ligand 1; minus strand), LOC126859913 (P300/CBP strongly-dependent group 1 enhancer GRCh37_chr6:170591232-170592431; plus strand). Cytogenetic location: 6q27.
Variant type: single nucleotide variant.
Coding change: c.2114A>C on transcript NM_005618.4 (MANE Select); coding-DNA position 2114, A replaced by C.
Protein change: p.Gln705Pro; replaces glutamine 705 with proline.
Molecular consequence: missense variant.
Genome position (GRCh38, 1-based): chr6:170,283,040, T>G on the plus strand (A>C on the coding strand, the complement: DLL1 is on the minus strand). VCF-style: chr6-170283040-T-G. GRCh37 (hg19) VCF-style: chr6-170592128-T-G.
Other names: short protein forms Q705P.
Identifiers: ClinVar variation 4975235 (VCV004975235.1).
Genomic context (GRCh38, chr6:170,283,040, plus strand): 5'-GCACTGACCTCAGTTGCTATGACGCACTCATCCTTCTCCTCGGATATGACGTACACCGAC[T>G]GGTACTTGGTGTCTTTTGAAGTTGAACAGCCCGAGTCCGGCCTTTTTCTTTCAGATGCTT-3'
Protein context (NP_005609.3, residues 695-715): GCSTSKDTKY[Gln705Pro]SVYVISEEKD

ClinVar aggregate classification (germline): Uncertain significance (1 of 4 stars; one submission).

Submission:

GeneDx
Classification: Uncertain significance. Last evaluated: 2026-01-13. Review status: criteria provided, single submitter. Criteria: GeneDx Variant Classification Process June 2021. Collection method: clinical testing. Allele origin: germline.
Comment: Not observed at significant frequency in large population cohorts (gnomAD); In silico analysis supports that this missense variant has a deleterious effect on protein structure/function; Has not been previously published as pathogenic or benign to our knowledge